The following is an entry in ClinVar:

ClinVar aggregate classification (germline): Uncertain significance (1 of 4 stars; one submission).

Submission:

Labcorp Genetics (formerly Invitae), Labcorp
Classification: Uncertain significance. Last evaluated: 2025-11-03. Review status: criteria provided, single submitter. Criteria: Invitae Variant Classification Sherloc (09022015). Collection method: clinical testing. Allele origin: germline.
Comment: This sequence change creates a premature translational stop signal (p.Arg378Serfs*44) in the POLE2 gene. It is expected to result in an absent or disrupted protein product. However, the current clinical and genetic evidence is not sufficient to establish whether loss-of-function variants in POLE2 cause disease. This variant is not present in population databases (gnomAD no frequency). This variant has not been reported in the literature in individuals affected with POLE2-related conditions. Algorithms developed to predict the effect of sequence changes on RNA splicing suggest that this variant may disrupt the consensus splice site. In summary, the available evidence is currently insufficient to determine the role of this variant in disease. Therefore, it has been classified as a Variant of Uncertain Significance.

NM_002692.4(POLE2):c.1129_1133dup (p.Arg378fs)

Gene: POLE2 (DNA polymerase epsilon 2, accessory subunit; minus strand). Cytogenetic location: 14q21.3.
Variant type: Duplication.
Coding change: c.1129_1133dup on transcript NM_002692.4 (MANE Select); coding-DNA positions 1129 to 1133, 5 bases duplicated (CCAAG; older notation c.1129_1133dupCCAAG).
Protein change: p.Arg378fs; shifts the reading frame from arginine 378.
Molecular consequence: frameshift variant.
Genome position (GRCh38, 1-based): chr14:49,654,155-49,654,159, CTTGG duplicated on the plus strand (CCAAG on the coding strand, the reverse complement: POLE2 is on the minus strand). VCF-style (leftmost placement, unchanged base first): chr14-49654154-C-CCTTGG. GRCh37 (hg19) VCF-style: chr14-50120872-C-CCTTGG.
Other names: c.1051_1055dup, p.Arg352fs (NM_001197330.2); c.1129_1133dup, p.Arg378fs (NM_001197331.3); c.1126_1130dup, p.Arg377fs (NM_001348384.2); c.898_902dup, p.Arg301fs (NM_001348385.2); short protein forms R377fs, R378fs, R301fs, R352fs.
Identifiers: ClinVar variation 4729965 (VCV004729965.1).